The following is an entry in ClinVar:

ClinVar aggregate classification (germline): Conflicting classifications of pathogenicity. Review status: criteria provided, conflicting classifications (1 of 4 stars). 4 submissions from 4 submitters: Uncertain significance (1); Likely benign (3). Last evaluated 2024-12-24.

Conditions:
Capillary infantile hemangioma. Also called: Hereditary capillary infantile hemangioma; Hemangioma, capillary infantile, somatic; HEMANGIOMA, HEREDITARY CAPILLARY. Identifiers: MedGen C1865871, MONDO:0011191, OMIM 602089.

Allele frequency attached by ClinVar (database versions not stated): gnomAD exomes 0.00041 and 0.00106; ExAC 0.00167; gnomAD 0.00248 and 0.00253; ESP Exome Variant Server 0.00315; 1000 Genomes Project 0.00379; 1000 Genomes Project 30x 0.00422.
gnomAD v4.1: 946 of 1,538,722 alleles (0.061%); highest among the groups gnomAD compares: African/African-American, 0.98%; 4 homozygotes.

Submissions (4):

Labcorp Genetics (formerly Invitae), Labcorp
Classification: Uncertain significance. Last evaluated: 2024-12-24. Review status: criteria provided, single submitter. Criteria: Invitae Variant Classification Sherloc (09022015). Collection method: clinical testing. Allele origin: germline.
Comment: This sequence change replaces alanine, which is neutral and non-polar, with valine, which is neutral and non-polar, at codon 518 of the ANTXR1 protein (p.Ala518Val). The frequency data for this variant in the population databases is considered unreliable, as metrics indicate poor data quality at this position in the gnomAD database. This variant has not been reported in the literature in individuals affected with ANTXR1-related conditions. ClinVar contains an entry for this variant (Variation ID: 445474). An algorithm developed to predict the effect of missense changes on protein structure and function outputs the following: PolyPhen-2: "Not Available". The valine amino acid residue is found in multiple mammalian species, which suggests that this missense change does not adversely affect protein function. In summary, the available evidence is currently insufficient to determine the role of this variant in disease. Therefore, it has been classified as a Variant of Uncertain Significance.

KCCC/NGS Laboratory, Kuwait Cancer Control Center
Classification: Likely benign for Capillary infantile hemangioma. Last evaluated: 2023-07-07. Review status: criteria provided, single submitter. Criteria: ACMG Guidelines, 2015. Collection method: clinical testing. Allele origin: germline. Affected: yes.

Center for Pediatric Genomic Medicine, Children's Mercy Hospital and Clinics
Classification: Likely benign. Last evaluated: 2017-05-08. Review status: criteria provided, single submitter. Criteria: ACMG Guidelines, 2015. Collection method: clinical testing. Allele origin: germline.

Breakthrough Genomics
Classification: Likely benign. Review status: criteria provided, single submitter. Criteria: ACMG Guidelines, 2015. Collection method: not provided. Allele origin: germline. Inheritance: Autosomal recessive inheritance. Affected: yes.

NM_032208.3(ANTXR1):c.1553C>T (p.Ala518Val)

Gene: ANTXR1 (ANTXR cell adhesion molecule 1; plus strand). Cytogenetic location: 2p13.3.
Variant type: single nucleotide variant.
Coding change: c.1553C>T on transcript NM_032208.3 (MANE Select); coding-DNA position 1553, C replaced by T.
Protein change: p.Ala518Val; replaces alanine 518 with valine.
Molecular consequence: missense variant.
Genome position (GRCh38, 1-based): chr2:69,245,343, C>T. VCF-style: chr2-69245343-C-T. GRCh37 (hg19) VCF-style: chr2-69472475-C-T.
Other names: c.1553C>T (NM_032208.2); short protein forms A518V.
Identifiers: ClinVar variation 445474 (VCV000445474.7), dbSNP rs139807657, ClinGen allele CA1693438.